The following is an entry in ClinVar:

ClinVar aggregate classification (germline): Uncertain significance (1 of 4 stars; one submission).

gnomAD v4.1: 4 of 1,613,132 alleles (0.00025%); highest among the groups gnomAD compares: Admixed American, 0.005%; no homozygotes.

Submission:

GeneDx
Classification: Uncertain significance. Last evaluated: 2026-09-30. Review status: criteria provided, single submitter. Criteria: GeneDx Variant Classification Process June 2021. Collection method: clinical testing. Allele origin: germline.
Comment: In silico analysis supports that this missense variant has a deleterious effect on protein structure/function; Has not been previously published as pathogenic or benign to our knowledge

NM_001384140.1(PCDH15):c.556C>A (p.Gln186Lys)

Gene: PCDH15 (protocadherin related 15; minus strand). Cytogenetic location: 10q21.1.
Variant type: single nucleotide variant.
Coding change: c.556C>A on transcript NM_001384140.1 (MANE Select); coding-DNA position 556, C replaced by A.
Protein change: p.Gln186Lys; replaces glutamine 186 with lysine.
Molecular consequence: missense variant.
Genome position (GRCh38, 1-based): chr10:54,346,403, G>T on the plus strand (C>A on the coding strand, the complement: PCDH15 is on the minus strand). VCF-style: chr10-54346403-G-T. GRCh37 (hg19) VCF-style: chr10-56106163-G-T.
Other names: c.571C>A, p.Gln191Lys (NM_001142763.2, NM_001142769.4, NM_001142771.2); c.556C>A, p.Gln186Lys (NM_001142764.2, NM_001142765.2, NM_001354411.2 and 8 more transcripts); c.490C>A, p.Gln164Lys (NM_001142768.2, NM_001142773.2, NM_001354404.2); short protein forms Q164K, Q186K, Q191K.
Identifiers: ClinVar variation 3893313 (VCV003893313.2).